The following is an entry in ClinVar:

NM_004530.6(MMP2):c.1770-4A>G

Gene: MMP2 (matrix metallopeptidase 2; plus strand). Cytogenetic location: 16q12.2.
Variant type: single nucleotide variant.
Coding change: c.1770-4A>G on transcript NM_004530.6 (MANE Select); 4 bases into the intron before coding-DNA position 1770, A replaced by G.
Molecular consequence: intron variant.
Genome position (GRCh38, 1-based): chr16:55,502,775, A>G. VCF-style: chr16-55502775-A-G. GRCh37 (hg19) VCF-style: chr16-55536687-A-G.
Other names: c.1542-4A>G (NM_001302508.1, NM_001302510.2, NM_001302509.2); c.1620-4A>G (NM_001127891.3).
Identifiers: ClinVar variation 319766 (VCV000319766.21), dbSNP rs243834, ClinGen allele CA8060581.
Genomic context (GRCh38, chr16:55,502,775, plus strand): 5'-CAGGCCAGGGGGGAAGTGTCCTTTAGAGAGGCCCTGCTGGTTCACTGTGTCTGTTTCTTT[A>G]CAGATACAATGAGGTGAAGAAGAAAATGGATCCTGGCTTCCCCAAGCTCATCGCAGATGC-3'

ClinVar aggregate classification (germline): Benign. Review status: criteria provided, multiple submitters, no conflicts (2 of 4 stars). 6 submissions from 6 submitters: Benign (6). Last evaluated 2026-02-04.

Conditions:
Multicentric osteolysis nodulosis arthropathy spectrum. Identifiers: Orphanet 3460, Orphanet 371428, MedGen C1850155, MONDO:0018298.

Allele frequency attached by ClinVar (database versions not stated): ESP Exome Variant Server 0.44321; TOPMed 0.44613; gnomAD 0.44856 and 0.45459; gnomAD exomes 0.48059 and 0.48740; 1000 Genomes Project 30x 0.48282; ExAC 0.48409; 1000 Genomes Project 0.48762.
gnomAD v4.1: 769,824 of 1,611,146 alleles (48%); highest among the groups gnomAD compares: East Asian, 63%; 185,268 homozygotes.

Submissions (6):

Labcorp Genetics (formerly Invitae), Labcorp
Classification: Benign. Last evaluated: 2026-02-04. Review status: criteria provided, single submitter. Criteria: Invitae Variant Classification Sherloc (09022015). Collection method: clinical testing. Allele origin: germline.

Blueprint Genetics
Classification: Benign. Last evaluated: 2024-11-27. Review status: criteria provided, single submitter. Criteria: ACMG Guidelines, 2015. Collection method: clinical testing. Allele origin: germline.

Genome-Nilou Lab
Classification: Benign for Multicentric osteolysis, nodulosis, and arthropathy. Last evaluated: 2021-09-05. Review status: criteria provided, single submitter. Criteria: ACMG Guidelines, 2015. Collection method: clinical testing. Allele origin: germline. Affected: no.

GeneDx
Classification: Benign. Last evaluated: 2018-11-12. Review status: criteria provided, single submitter. Criteria: GeneDx Variant Classification Process June 2021. Collection method: clinical testing. Allele origin: germline. Affected: yes.

Illumina Laboratory Services, Illumina
Classification: Benign for Multicentric osteolysis, nodulosis, and arthropathy. Last evaluated: 2018-01-13. Review status: criteria provided, single submitter. Criteria: ICSL Variant Classification Criteria 13 December 2019. Collection method: clinical testing. Allele origin: germline.
Comment: This variant was observed in the ICSL laboratory as part of a predisposition screen in an ostensibly healthy population. It had not been previously curated by ICSL or reported in the Human Gene Mutation Database (HGMD: prior to June 1st, 2018), and was therefore a candidate for classification through an automated scoring system. Utilizing variant allele frequency, disease prevalence and penetrance estimates, and inheritance mode, an automated score was calculated to assess if this variant is too frequent to cause the disease. Based on the score and internal cut-off values, a variant classified as benign is not then subjected to further curation. The score for this variant resulted in a classification of benign for this disease.

Breakthrough Genomics
Classification: Benign. Review status: criteria provided, single submitter. Criteria: ACMG Guidelines, 2015. Collection method: not provided. Allele origin: germline. Inheritance: Autosomal recessive inheritance. Affected: yes.